The following is an entry in ClinVar:

ClinVar aggregate classification (germline): Likely benign (0 of 4 stars; one submission).

Conditions:
SEMA3G-related disorder. Also called: SEMA3G-related condition.

gnomAD v4.1: 9 of 1,290,180 alleles (0.0007%); highest among the groups gnomAD compares: African/African-American, 0.014%; no homozygotes.

Submission:

PreventionGenetics, part of Exact Sciences
Classification: Likely benign for SEMA3G-related condition. Last evaluated: 2021-10-06. Review status: no assertion criteria provided. Collection method: clinical testing. Allele origin: germline.
Comment: This variant is classified as likely benign based on ACMG/AMP sequence variant interpretation guidelines (Richards et al. 2015 PMID: 25741868, with internal and published modifications).

NM_020163.3(SEMA3G):c.36A>G (p.Leu12=)

Gene: SEMA3G (semaphorin 3G; minus strand). Cytogenetic location: 3p21.1.
Variant type: single nucleotide variant.
Coding change: c.36A>G on transcript NM_020163.3 (MANE Select); coding-DNA position 36, A replaced by G.
Protein change: p.Leu12=; no amino-acid change (leucine 12 retained).
Molecular consequence: synonymous variant.
Genome position (GRCh38, 1-based): chr3:52,444,992, T>C on the plus strand (A>G on the coding strand, the complement: SEMA3G is on the minus strand). VCF-style: chr3-52444992-T-C. GRCh37 (hg19) VCF-style: chr3-52479008-T-C.
Identifiers: ClinVar variation 3358710 (VCV003358710.1).